The following is an entry in ClinVar:

NM_000138.5(FBN1):c.4477G>A (p.Asp1493Asn)

Gene: FBN1 (fibrillin 1; minus strand). Cytogenetic location: 15q21.1.
Variant type: single nucleotide variant.
Coding change: c.4477G>A on transcript NM_000138.5 (MANE Select); coding-DNA position 4477, G replaced by A.
Protein change: p.Asp1493Asn; replaces aspartic acid 1493 with asparagine.
Molecular consequence: missense variant.
Genome position (GRCh38, 1-based): chr15:48,468,517, C>T on the plus strand (G>A on the coding strand, the complement: FBN1 is on the minus strand). VCF-style: chr15-48468517-C-T. GRCh37 (hg19) VCF-style: chr15-48760714-C-T.
Other names: c.4477G>A, p.Asp1493Asn (NM_001406716.1); short protein forms D1493N.
Identifiers: ClinVar variation 3375611 (VCV003375611.1).

ClinVar aggregate classification (germline): Uncertain significance (1 of 4 stars; one submission).

gnomAD v4.1: 1 of 1,614,046 alleles (0.000062%); highest among the groups gnomAD compares: African/African-American, 0.0013%; no homozygotes.

Submission:

GeneDx
Classification: Uncertain significance. Last evaluated: 2024-05-09. Review status: criteria provided, single submitter. Criteria: GeneDx Variant Classification Process June 2021. Collection method: clinical testing. Allele origin: germline. Affected: yes.
Comment: Has not been previously published as pathogenic or benign to our knowledge; Not observed at significant frequency in large population cohorts (gnomAD); Although located in a calcium-binding EGF-like domain of the FBN1 gene, it does not affect a cysteine residue within this domain; cysteine substitutions in the calcium-binding EGF-like domains represent the majority of pathogenic missense changes associated with FBN1-related disorders (PMID: 12938084); In silico analysis supports that this missense variant has a deleterious effect on protein structure/function; This variant is associated with the following publications: (PMID: 12938084)